The following is an entry in ClinVar:

ClinVar aggregate classification (germline): Uncertain significance. Review status: criteria provided, multiple submitters, no conflicts (2 of 4 stars). 2 submissions from 2 submitters: Uncertain significance (2). Last evaluated 2023-11-08.

Submissions (2):

Mayo Clinic Laboratories, Mayo Clinic
Classification: Uncertain significance. Last evaluated: 2023-11-08. Review status: criteria provided, single submitter. Criteria: ACMG Guidelines, 2015. Collection method: clinical testing. Allele origin: germline. Observed: 1 variant allele.
Comment: BP4

GeneDx
Classification: Uncertain significance. Last evaluated: 2017-12-29. Review status: criteria provided, single submitter. Criteria: GeneDx Variant Classification (06012015). Collection method: clinical testing. Allele origin: germline. Affected: yes.
Comment: The c.934_936delAGGinsGGA variant in the SQSTM1 gene has not been reported previously as a pathogenic variant, nor as a benign variant, to our knowledge. The c.934_936delAGGinsGGA variant causes the deletion of three nucleotides and the insertion of three aberrant nucleotides, resulting in the R312G missense change. The R312G variant is observed in 6/23068 (0.026%) alleles from individuals of African background in large population cohorts (Lek et al., 2016). The R312G variant is a non-conservative amino acid substitution, which is likely to impact secondary protein structure as these residues differ in polarity, charge, size and/or other properties. However, in-silico analyses, including protein predictors and evolutionary conservation, support that this variant does not alter protein structure/function. We interpret c.934_936delAGGinsGGA as a variant of uncertain significance.

Literature cited by the submitters: PubMed 24042580 (cited by Mayo Clinic Laboratories, Mayo Clinic); PubMed 24486447 (cited by Mayo Clinic Laboratories, Mayo Clinic); PubMed 28169082 (cited by Mayo Clinic Laboratories, Mayo Clinic).

NM_003900.5(SQSTM1):c.934_936delinsGGA (p.Arg312Gly)

Gene: SQSTM1 (sequestosome 1; plus strand). Cytogenetic location: 5q35.3.
Variant type: Indel.
Coding change: c.934_936delinsGGA on transcript NM_003900.5 (MANE Select); coding-DNA positions 934 to 936, AGG replaced by GGA.
Protein change: p.Arg312Gly; replaces arginine 312 with glycine.
Molecular consequence: missense variant.
Genome position (GRCh38, 1-based): chr5:179,833,211-179,833,213, AGG replaced by GGA. VCF-style: chr5-179833211-AGG-GGA. GRCh37 (hg19) VCF-style: chr5-179260211-AGG-GGA.
Other names: p.Arg312Gly; c.682_684delinsGGA, p.Arg228Gly (NM_001142298.2, NM_001142299.2); short protein forms R228G, R312G.
Identifiers: ClinVar variation 504034 (VCV000504034.3), dbSNP rs1554091355, ClinGen allele CA658796703.